The following is an entry in ClinVar:

NM_004369.4(COL6A3):c.5000A>G (p.Asp1667Gly)

Gene: COL6A3 (collagen type VI alpha 3 chain; minus strand). Cytogenetic location: 2q37.3.
Variant type: single nucleotide variant.
Coding change: c.5000A>G on transcript NM_004369.4 (MANE Select); coding-DNA position 5000, A replaced by G.
Protein change: p.Asp1667Gly; replaces aspartic acid 1667 with glycine.
Molecular consequence: missense variant.
Genome position (GRCh38, 1-based): chr2:237,367,187, T>C on the plus strand (A>G on the coding strand, the complement: COL6A3 is on the minus strand). VCF-style: chr2-237367187-T-C. GRCh37 (hg19) VCF-style: chr2-238275830-T-C.
Other names: c.3179A>G, p.Asp1060Gly (NM_057166.5); c.4382A>G, p.Asp1461Gly (NM_057167.4); short protein forms D1060G, D1461G, D1667G.
Identifiers: ClinVar variation 2579567 (VCV002579567.2), dbSNP rs1266097039, ClinGen allele CA351189685.
Genomic context (GRCh38, chr2:237,367,187, plus strand): 5'-GGGTCAGAGTTGTACTGGACAAGCCCCACTTGGATGGAGTCGCCATCTTCATAAACTGTG[T>C]CCACTATTTCAGACACAAAACGAAGCACTTCCTGGAAACTGTCCCTCCTGAAGTTGATGG-3'
Protein context (NP_004360.2, residues 1657-1677): EVLRFVSEIV[Asp1667Gly]TVYEDGDSIQ

ClinVar aggregate classification (germline): Uncertain significance. Review status: criteria provided, multiple submitters, no conflicts (2 of 4 stars). 2 submissions from 2 submitters: Uncertain significance (2). Last evaluated 2024-11-09.

Conditions:
Inborn genetic diseases. Identifiers: MedGen C0950123, MeSH D030342.

Allele frequency attached by ClinVar (database versions not stated): TOPMed 0.00003.

Submissions (2):

Ambry Genetics
Classification: Uncertain significance for Inborn genetic diseases. Last evaluated: 2024-11-09. Review status: criteria provided, single submitter. Criteria: Ambry Variant Classification Scheme 2023. Collection method: clinical testing. Allele origin: germline.

GeneDx
Classification: Uncertain significance. Last evaluated: 2023-03-06. Review status: criteria provided, single submitter. Criteria: GeneDx Variant Classification Process June 2021. Collection method: clinical testing. Allele origin: germline. Affected: yes.
Comment: Not observed at significant frequency in large population cohorts (gnomAD); In silico analysis supports that this missense variant has a deleterious effect on protein structure/function; Has not been previously published as pathogenic or benign to our knowledge